The following is an entry in ClinVar:

NM_152703.5(SAMD9L):c.2531A>G (p.Asn844Ser)

Gene: SAMD9L (sterile alpha motif domain containing 9 like; minus strand). Cytogenetic location: 7q21.2.
Variant type: single nucleotide variant.
Coding change: c.2531A>G on transcript NM_152703.5 (MANE Select); coding-DNA position 2531, A replaced by G.
Protein change: p.Asn844Ser; replaces asparagine 844 with serine.
Molecular consequence: missense variant.
Genome position (GRCh38, 1-based): chr7:93,133,441, T>C on the plus strand (A>G on the coding strand, the complement: SAMD9L is on the minus strand). VCF-style: chr7-93133441-T-C. GRCh37 (hg19) VCF-style: chr7-92762754-T-C.
Other names: c.2531A>G, p.Asn844Ser (NM_001303496.3, NM_001303497.3, NM_001303498.3 and 5 more transcripts); short protein forms N844S.
Identifiers: ClinVar variation 4159296 (VCV004159296.1).

ClinVar aggregate classification (germline): Uncertain significance (1 of 4 stars; one submission).

Conditions:
Inborn genetic diseases. Identifiers: MedGen C0950123, MeSH D030342.

gnomAD v4.1: 1 of 1,613,212 alleles (0.000062%); no homozygotes.

Submission:

Ambry Genetics
Classification: Uncertain significance for Inborn genetic diseases. Last evaluated: 2025-07-04. Review status: criteria provided, single submitter. Criteria: Ambry Variant Classification Scheme 2023. Collection method: clinical testing. Allele origin: germline.
Comment: The p.N844S variant (also known as c.2531A>G), located in coding exon 1 of the SAMD9L gene, results from an A to G substitution at nucleotide position 2531. The asparagine at codon 844 is replaced by serine, an amino acid with highly similar properties. This amino acid position is conserved. In addition, this alteration is predicted to be tolerated by in silico analysis. Based on the available evidence, the clinical significance of this variant remains unclear.